The following is an entry in ClinVar:

ClinVar aggregate classification (germline): Uncertain significance (1 of 4 stars; one submission).

Submission:

GeneDx
Classification: Uncertain significance. Last evaluated: 2025-07-17. Review status: criteria provided, single submitter. Criteria: GeneDx Variant Classification Process June 2021. Collection method: clinical testing. Allele origin: germline. Affected: yes.
Comment: Not observed at significant frequency in large population cohorts (gnomAD); In silico analysis supports that this missense variant has a deleterious effect on protein structure/function; Has not been previously published as pathogenic or benign to our knowledge

NM_012250.6(RRAS2):c.130G>T (p.Asp44Tyr)

Gene: RRAS2 (RAS related 2; minus strand). Cytogenetic location: 11p15.2.
Variant type: single nucleotide variant.
Coding change: c.130G>T on transcript NM_012250.6 (MANE Select); coding-DNA position 130, G replaced by T.
Protein change: p.Asp44Tyr; replaces aspartic acid 44 with tyrosine.
Molecular consequence: missense variant. On other transcripts: 5 prime UTR variant (9).
Genome position (GRCh38, 1-based): chr11:14,295,834, C>A on the plus strand (G>T on the coding strand, the complement: RRAS2 is on the minus strand). VCF-style: chr11-14295834-C-A. GRCh37 (hg19) VCF-style: chr11-14317380-C-A.
Other names: c.-102G>T (NM_001102669.3, NM_001177315.2, NM_001440709.1 and 6 more transcripts); c.25G>T, p.Asp9Tyr (NM_001177314.2); c.130G>T, p.Asp44Tyr (NM_001440708.1); short protein forms D44Y, D9Y.
Identifiers: ClinVar variation 4686545 (VCV004686545.1).
Genomic context (GRCh38, chr11:14,295,834, plus strand): 5'-GCCGGGCTGCTCTGTCATCTATCACACACTGCTTTGTGTAAGAATCTTCAATGGTTGGAT[C>A]ATAATCCGTTACAAAATAGGACTGCAAGAAAAGAAAAAACTTTATTTTAAAATTCATGGC-3'
Protein context (NP_036382.2, residues 34-54): FIQSYFVTDY[Asp44Tyr]PTIEDSYTKQ